The following is an entry in ClinVar:

ClinVar aggregate classification (germline): Uncertain significance (1 of 4 stars; one submission).

Submission:

Mayo Clinic Laboratories, Mayo Clinic
Classification: Uncertain significance. Last evaluated: 2025-10-22. Review status: criteria provided, single submitter. Criteria: ACMG Guidelines, 2015. Collection method: clinical testing. Allele origin: germline. Observed: 1 variant allele.
Comment: PM2_supporting, PVS1_moderate

Literature cited by the submitters: PubMed 38112783.

NM_001008212.2(OPTN):c.1632G>A (p.Trp544Ter)

Gene: OPTN (optineurin; plus strand). Cytogenetic location: 10p13.
Variant type: single nucleotide variant.
Coding change: c.1632G>A on transcript NM_001008212.2 (MANE Select); coding-DNA position 1632, G replaced by A.
Protein change: p.Trp544Ter; replaces tryptophan 544 with a stop codon.
Molecular consequence: nonsense.
Genome position (GRCh38, 1-based): chr10:13,136,764, G>A. VCF-style: chr10-13136764-G-A. GRCh37 (hg19) VCF-style: chr10-13178764-G-A.
Other names: p.Trp544*; c.1632G>A, p.Trp544Ter (NM_001008211.1, NM_001008213.1, NM_021980.4); short protein forms W544*.
Identifiers: ClinVar variation 4541527 (VCV004541527.1).